The following is an entry in ClinVar:

NM_213655.5(WNK1):c.2653G>C (p.Val885Leu)

Gene: WNK1 (WNK lysine deficient protein kinase 1; plus strand). Cytogenetic location: 12p13.33.
Variant type: single nucleotide variant.
Coding change: c.2653G>C on transcript NM_213655.5 (MANE Plus Clinical); coding-DNA position 2653, G replaced by C.
Protein change: p.Val885Leu; replaces valine 885 with leucine.
Molecular consequence: missense variant. On other transcripts: intron variant (2).
Genome position (GRCh38, 1-based): chr12:868,124, G>C. VCF-style: chr12-868124-G-C. GRCh37 (hg19) VCF-style: chr12-977290-G-C.
Other names: c.2398G>C, p.Val800Leu (NM_001184985.2); c.2140-3141G>C (NM_018979.4, NM_014823.3); short protein forms V885L, V800L.
Identifiers: ClinVar variation 1794351 (VCV001794351.2), dbSNP rs769092053, ClinGen allele CA383339330.

ClinVar aggregate classification (germline): Uncertain significance (1 of 4 stars; one submission).

Conditions:
Inborn genetic diseases. Identifiers: MedGen C0950123, MeSH D030342.

gnomAD v4.1: 1 of 1,614,050 alleles (0.000062%); no homozygotes.

Submission:

Ambry Genetics
Classification: Uncertain significance for Inborn genetic diseases. Last evaluated: 2019-08-29. Review status: criteria provided, single submitter. Criteria: Ambry Variant Classification Scheme 2023. Collection method: clinical testing. Allele origin: germline.
Comment: The p.V885L variant (also known as c.2653G>C), located in coding exon 10 of the WNK1 gene, results from a G to C substitution at nucleotide position 2653. The valine at codon 885 is replaced by leucine, an amino acid with highly similar properties. This amino acid position is well conserved in available vertebrate species. In addition, this alteration is predicted to be tolerated by in silico analysis. Since supporting evidence is limited at this time, the clinical significance of this alteration remains unclear.